The following is an entry in ClinVar:

NM_004787.4(SLIT2):c.126C>G (p.His42Gln)

Gene: SLIT2 (slit guidance ligand 2; plus strand). Cytogenetic location: 4p15.31.
Variant type: single nucleotide variant.
Coding change: c.126C>G on transcript NM_004787.4 (MANE Select); coding-DNA position 126, C replaced by G.
Protein change: p.His42Gln; replaces histidine 42 with glutamine.
Molecular consequence: missense variant.
Genome position (GRCh38, 1-based): chr4:20,253,941, C>G. VCF-style: chr4-20253941-C-G. GRCh37 (hg19) VCF-style: chr4-20255564-C-G.
Other names: c.126C>G, p.His42Gln (NM_001289135.3, NM_001289136.3); short protein forms H42Q.
Identifiers: ClinVar variation 2788058 (VCV002788058.3), dbSNP rs200103892, ClinGen allele CA2870951.

ClinVar aggregate classification (germline): Uncertain significance (1 of 4 stars; one submission).

gnomAD v4.1: 6 of 1,602,944 alleles (0.00037%); highest among the groups gnomAD compares: South Asian, 0.0044%; no homozygotes.

Submission:

Labcorp Genetics (formerly Invitae), Labcorp
Classification: Uncertain significance. Last evaluated: 2025-06-12. Review status: criteria provided, single submitter. Criteria: Invitae Variant Classification Sherloc (09022015). Collection method: clinical testing. Allele origin: germline.
Comment: This sequence change replaces histidine, which is basic and polar, with glutamine, which is neutral and polar, at codon 42 of the SLIT2 protein (p.His42Gln). This variant is present in population databases (rs200103892, gnomAD 0.003%). This variant has not been reported in the literature in individuals affected with SLIT2-related conditions. ClinVar contains an entry for this variant (Variation ID: 2788058). An algorithm developed to predict the effect of missense changes on protein structure and function (PolyPhen-2) suggests that this variant is likely to be disruptive. In summary, the available evidence is currently insufficient to determine the role of this variant in disease. Therefore, it has been classified as a Variant of Uncertain Significance.